The following is an entry in ClinVar:

ClinVar aggregate classification (germline): Benign. Review status: criteria provided, multiple submitters, no conflicts (2 of 4 stars). 8 submissions from 8 submitters: Benign (8). Last evaluated 2026-01-28.

Conditions:
Inborn genetic diseases. Identifiers: MedGen C0950123, MeSH D030342.
Cornelia de Lange syndrome 1 (CDLS1). Also called: Brachmann de Lange syndrome; NIPBL-Related Cornelia de Lange Syndrome; TYPUS DEGENERATIVUS AMSTELODAMENSIS. Identifiers: Orphanet 199, MedGen C4551851, MONDO:0007387, OMIM 122470.

Allele frequency attached by ClinVar (database versions not stated): gnomAD exomes 0.00072 and 0.00229; ExAC 0.00287; gnomAD 0.00825 and 0.00882; TOPMed 0.00919; ESP Exome Variant Server 0.00954; 1000 Genomes Project 0.01158; 1000 Genomes Project 30x 0.01234.
gnomAD v4.1: 2,353 of 1,612,244 alleles (0.15%); highest among the groups gnomAD compares: African/African-American, 2.8%; 26 homozygotes.

Submissions (8):

Labcorp Genetics (formerly Invitae), Labcorp
Classification: Benign for Cornelia de Lange syndrome 1. Last evaluated: 2026-01-28. Review status: criteria provided, single submitter. Criteria: Invitae Variant Classification Sherloc (09022015). Collection method: clinical testing. Allele origin: germline.

Athena Diagnostics
Classification: Benign. Last evaluated: 2024-01-12. Review status: criteria provided, single submitter. Criteria: Athena Diagnostics Criteria. Collection method: clinical testing. Allele origin: unknown.

Genome-Nilou Lab
Classification: Benign for Cornelia de Lange syndrome 1. Last evaluated: 2021-07-15. Review status: criteria provided, single submitter. Criteria: ACMG Guidelines, 2015. Collection method: clinical testing. Allele origin: germline. Affected: no.

GeneDx
Classification: Benign. Last evaluated: 2018-03-29. Review status: criteria provided, single submitter. Criteria: GeneDx Variant Classification (06012015). Collection method: clinical testing. Allele origin: germline. Affected: yes.
Comment: This variant is considered likely benign or benign based on one or more of the following criteria: it is a conservative change, it occurs at a poorly conserved position in the protein, it is predicted to be benign by multiple in silico algorithms, and/or has population frequency not consistent with disease.

Illumina Laboratory Services, Illumina
Classification: Benign for Cornelia de Lange syndrome 1. Last evaluated: 2018-01-13. Review status: criteria provided, single submitter. Criteria: ICSL Variant Classification Criteria 13 December 2019. Collection method: clinical testing. Allele origin: germline.
Comment: This variant was observed in the ICSL laboratory as part of a predisposition screen in an ostensibly healthy population. It had not been previously curated by ICSL or reported in the Human Gene Mutation Database (HGMD: prior to June 1st, 2018), and was therefore a candidate for classification through an automated scoring system. Utilizing variant allele frequency, disease prevalence and penetrance estimates, and inheritance mode, an automated score was calculated to assess if this variant is too frequent to cause the disease. Based on the score and internal cut-off values, a variant classified as benign is not then subjected to further curation. The score for this variant resulted in a classification of benign for this disease.

Ambry Genetics
Classification: Benign for Inborn genetic diseases. Last evaluated: 2016-06-06. Review status: criteria provided, single submitter. Criteria: Ambry Variant Classification Scheme 2023. Collection method: clinical testing. Allele origin: germline.

Genetic Services Laboratory, University of Chicago
Classification: Benign. Last evaluated: 2013-02-08. Review status: criteria provided, single submitter. Criteria: ACMG Guidelines, 2007. Collection method: clinical testing. Allele origin: germline. Inheritance: Autosomal dominant inheritance.

Breakthrough Genomics
Classification: Benign. Review status: criteria provided, single submitter. Criteria: ACMG Guidelines, 2015. Collection method: not provided. Allele origin: germline. Inheritance: Autosomal dominant inheritance. Affected: yes.

NM_133433.4(NIPBL):c.3541A>C (p.Arg1181=)

Gene: NIPBL (NIPBL cohesin loading factor; plus strand). Cytogenetic location: 5p13.2.
Variant type: single nucleotide variant.
Coding change: c.3541A>C on transcript NM_133433.4 (MANE Select); coding-DNA position 3541, A replaced by C.
Protein change: p.Arg1181=; no amino-acid change (arginine 1181 retained).
Molecular consequence: synonymous variant.
Genome position (GRCh38, 1-based): chr5:37,000,855, A>C. VCF-style: chr5-37000855-A-C. GRCh37 (hg19) VCF-style: chr5-37000957-A-C.
Other names: c.3541A>C, p.Arg1181= (NM_015384.5).
Identifiers: ClinVar variation 159087 (VCV000159087.27), dbSNP rs35748854, ClinGen allele CA172685.